The following is an entry in ClinVar:

NM_001142800.2(EYS):c.4196T>C (p.Met1399Thr)

Gene: EYS (EGF-like photoreceptor maintenance factor; minus strand). Cytogenetic location: 6q12.
Variant type: single nucleotide variant.
Coding change: c.4196T>C on transcript NM_001142800.2 (MANE Select); coding-DNA position 4196, T replaced by C.
Protein change: p.Met1399Thr; replaces methionine 1399 with threonine.
Molecular consequence: missense variant.
Genome position (GRCh38, 1-based): chr6:64,591,671, A>G on the plus strand (T>C on the coding strand, the complement: EYS is on the minus strand). VCF-style: chr6-64591671-A-G. GRCh37 (hg19) VCF-style: chr6-65301564-A-G.
Other names: c.4196T>C, p.Met1399Thr (NM_001292009.2); short protein forms M1399T.
Identifiers: ClinVar variation 2141166 (VCV002141166.2), dbSNP rs1303816798, ClinGen allele CA364783843.

ClinVar aggregate classification (germline): Uncertain significance. Review status: criteria provided, multiple submitters, no conflicts (2 of 4 stars). 2 submissions from 2 submitters: Uncertain significance (2). Last evaluated 2024-11-06.

Allele frequency attached by ClinVar (database versions not stated): gnomAD exomes below 0.00001; TOPMed 0.00001.

Submissions (2):

Blueprint Genetics
Classification: Uncertain significance. Last evaluated: 2024-11-06. Review status: criteria provided, single submitter. Criteria: ACMG Guidelines, 2015. Collection method: clinical testing. Allele origin: germline.

Labcorp Genetics (formerly Invitae), Labcorp
Classification: Uncertain significance. Last evaluated: 2022-03-28. Review status: criteria provided, single submitter. Criteria: Invitae Variant Classification Sherloc (09022015). Collection method: clinical testing. Allele origin: germline.
Comment: This sequence change replaces methionine, which is neutral and non-polar, with threonine, which is neutral and polar, at codon 1399 of the EYS protein (p.Met1399Thr). This variant is present in population databases (no rsID available, gnomAD 0.04%). This missense change has been observed in individual(s) with retinitis pigmentosa (PMID: 31054281). Algorithms developed to predict the effect of missense changes on protein structure and function output the following: SIFT: "Tolerated"; PolyPhen-2: "Benign"; Align-GVGD: "Class C0". The threonine amino acid residue is found in multiple mammalian species, which suggests that this missense change does not adversely affect protein function. In summary, the available evidence is currently insufficient to determine the role of this variant in disease. Therefore, it has been classified as a Variant of Uncertain Significance.

Literature cited by the submitters: PubMed 31054281 (cited by Labcorp Genetics (formerly Invitae), Labcorp).